The following is an entry in ClinVar:

ClinVar aggregate classification (germline): Uncertain significance (1 of 4 stars; one submission).

gnomAD v4.1: 1 of 1,590,768 alleles (0.000063%); highest among the groups gnomAD compares: South Asian, 0.0012%; no homozygotes.

Submission:

Labcorp Genetics (formerly Invitae), Labcorp
Classification: Uncertain significance. Last evaluated: 2024-08-12. Review status: criteria provided, single submitter. Criteria: Invitae Variant Classification Sherloc (09022015). Collection method: clinical testing. Allele origin: germline.
Comment: This sequence change replaces lysine, which is basic and polar, with arginine, which is basic and polar, at codon 990 of the BPTF protein (p.Lys990Arg). This variant is present in population databases (rs780482446, gnomAD 0.004%). This variant has not been reported in the literature in individuals affected with BPTF-related conditions. An algorithm developed to predict the effect of missense changes on protein structure and function (PolyPhen-2) suggests that this variant is likely to be disruptive. In summary, the available evidence is currently insufficient to determine the role of this variant in disease. Therefore, it has been classified as a Variant of Uncertain Significance.

NM_182641.4(BPTF):c.2591A>G (p.Lys864Arg)

Gene: BPTF (bromodomain PHD finger transcription factor; plus strand). Cytogenetic location: 17q24.2.
Variant type: single nucleotide variant.
Coding change: c.2591A>G on transcript NM_182641.4 (MANE Select); coding-DNA position 2591, A replaced by G.
Protein change: p.Lys864Arg; replaces lysine 864 with arginine.
Molecular consequence: missense variant.
Genome position (GRCh38, 1-based): chr17:67,903,836, A>G. VCF-style: chr17-67903836-A-G. GRCh37 (hg19) VCF-style: chr17-65899952-A-G.
Other names: c.2969A>G, p.Lys990Arg (NM_004459.7); short protein forms K864R, K990R.
Identifiers: ClinVar variation 3662117 (VCV003662117.2).
Genomic context (GRCh38, chr17:67,903,836, plus strand): 5'-CATGAATTCTTAGGTTACACCGGATGACATCAATTGAAAGAGAAGAAAAGGAGAAAGTCA[A>G]AAAAAAAGAGAAGAAACAGGAAGAAGAAGAAACGATGCAGCAAGCGACATGGGTAAAATA-3'
Protein context (NP_872579.2, residues 854-874): SIEREEKEKV[Lys864Arg]KKEKKQEEEE